The following is an entry in ClinVar:

NM_001393504.1(MAST3):c.363C>T (p.Ser121=)

Genes: MAST3 (microtubule associated serine/threonine kinase 3; plus strand), LOC126862876 (BRD4-independent group 4 enhancer GRCh37_chr19:18232970-18234169; plus strand). Cytogenetic location: 19p13.11.
Variant type: single nucleotide variant.
Coding change: c.363C>T on transcript NM_001393504.1 (MANE Select); coding-DNA position 363, C replaced by T.
Protein change: p.Ser121=; no amino-acid change (serine 121 retained).
Molecular consequence: synonymous variant.
Genome position (GRCh38, 1-based): chr19:18,122,715, C>T. VCF-style: chr19-18122715-C-T. GRCh37 (hg19) VCF-style: chr19-18233525-C-T.
Other names: c.387C>T, p.Ser129= (NM_001393501.1); c.366C>T, p.Ser122= (NM_001393502.1); c.363C>T, p.Ser121= (NM_001393503.1); c.360C>T, p.Ser120= (NM_001393505.1); c.315C>T, p.Ser105= (NM_001393506.1, NM_001393513.1); c.342C>T, p.Ser114= (NM_001393507.1); c.297C>T, p.Ser99= (NM_001393508.1, NM_001393516.1); c.294C>T, p.Ser98= (NM_001393509.1, NM_001393510.1, NM_001393512.1 and 2 more transcripts); and 4 more.
Identifiers: ClinVar variation 4872851 (VCV004872851.2).

ClinVar aggregate classification (germline): Likely benign (1 of 4 stars; one submission).

gnomAD v4.1: 162 of 1,613,480 alleles (0.01%); highest among the groups gnomAD compares: Admixed American, 0.23%; 1 homozygote.

Submission:

CeGaT Center for Human Genetics Tuebingen
Classification: Likely benign. Last evaluated: 2026-06-01. Review status: criteria provided, single submitter. Criteria: CeGaT Center For Human Genetics Tuebingen Variant Classification Criteria Version 2. Collection method: clinical testing. Allele origin: germline. Affected: yes. Observed: 1 variant allele.
Comment: MAST3: BP4, BP7, BS1